The following is an entry in ClinVar:

ClinVar aggregate classification (germline): Uncertain significance. Review status: criteria provided, multiple submitters, no conflicts (2 of 4 stars). 2 submissions from 2 submitters: Uncertain significance (2). Last evaluated 2025-05-25.

Conditions:
Familial adenomatous polyposis 1 (FAP1). Also called: FAMILIAL ADENOMATOUS POLYPOSIS 1, ATTENUATED; POLYPOSIS, ADENOMATOUS INTESTINAL. Identifiers: MedGen C2713442, MONDO:0021056, OMIM 175100. Disease mechanism: loss of function.
Hereditary cancer-predisposing syndrome. Also called: Hereditary neoplastic syndrome; Tumor predisposition; Hereditary Cancer Syndrome; Neoplastic Syndromes, Hereditary. Identifiers: Orphanet 140162, MedGen C0027672, MeSH D009386, MONDO:0015356.

Submissions (2):

Labcorp Genetics (formerly Invitae), Labcorp
Classification: Uncertain significance for Familial adenomatous polyposis 1. Last evaluated: 2025-05-25. Review status: criteria provided, single submitter. Criteria: Invitae Variant Classification Sherloc (09022015). Collection method: clinical testing. Allele origin: germline.
Comment: This sequence change replaces serine, which is neutral and polar, with phenylalanine, which is neutral and non-polar, at codon 2034 of the APC protein (p.Ser2034Phe). This variant is not present in population databases (gnomAD no frequency). This variant has not been reported in the literature in individuals affected with APC-related conditions. ClinVar contains an entry for this variant (Variation ID: 2587041). Invitae Evidence Modeling of protein sequence and biophysical properties (such as structural, functional, and spatial information, amino acid conservation, physicochemical variation, residue mobility, and thermodynamic stability) indicates that this missense variant is not expected to disrupt APC protein function with a negative predictive value of 95%. In summary, the available evidence is currently insufficient to determine the role of this variant in disease. Therefore, it has been classified as a Variant of Uncertain Significance.

Ambry Genetics
Classification: Uncertain significance for Hereditary cancer-predisposing syndrome. Last evaluated: 2023-09-05. Review status: criteria provided, single submitter. Criteria: Ambry Variant Classification Scheme 2023. Collection method: clinical testing. Allele origin: germline.
Comment: The p.S2034F variant (also known as c.6101C>T), located in coding exon 15 of the APC gene, results from a C to T substitution at nucleotide position 6101. The serine at codon 2034 is replaced by phenylalanine, an amino acid with highly dissimilar properties. This amino acid position is conserved. In addition, in silico predictors for this gene do not accurately predict pathogenicity. Since supporting evidence is limited at this time, the clinical significance of this alteration remains unclear.

NM_000038.6(APC):c.6101C>T (p.Ser2034Phe)

Gene: APC (APC regulator of Wnt signaling pathway; plus strand). Cytogenetic location: 5q22.2.
Variant type: single nucleotide variant.
Coding change: c.6101C>T on transcript NM_000038.6 (MANE Select); coding-DNA position 6101, C replaced by T.
Protein change: p.Ser2034Phe; replaces serine 2034 with phenylalanine.
Molecular consequence: missense variant. On other transcripts: non-coding transcript variant (2).
Genome position (GRCh38, 1-based): chr5:112,841,695, C>T. VCF-style: chr5-112841695-C-T. GRCh37 (hg19) VCF-style: chr5-112177392-C-T.
Other names: c.6101C>T, p.Ser2034Phe (NM_001127510.3, NM_001354895.2, NM_001407450.1); c.6047C>T, p.Ser2016Phe (NM_001127511.3); c.6155C>T, p.Ser2052Phe (NM_001354896.2, NM_001407447.1, NM_001407448.1 and 1 more transcripts); c.6131C>T, p.Ser2044Phe (NM_001354897.2); c.6026C>T, p.Ser2009Phe (NM_001354898.2); c.6017C>T, p.Ser2006Phe (NM_001354899.2); c.5978C>T, p.Ser1993Phe (NM_001354900.2); c.5924C>T, p.Ser1975Phe (NM_001354901.2, NM_001407453.1); and 11 more; short protein forms S1874F, S1905F, S1975F, S1993F, S2009F, S2024F, S2044F, S1908F.
Identifiers: ClinVar variation 2587041 (VCV002587041.5), dbSNP rs2149957015, ClinGen allele CA16034688.